The following is an entry in ClinVar:

ClinVar aggregate classification (germline): Likely benign. Review status: criteria provided, multiple submitters, no conflicts (2 of 4 stars). 3 submissions from 3 submitters: Likely benign (2). 1 of the submissions does not count toward it. Last evaluated 2026-01-26.

Conditions:
DEAF1-related disorder.

gnomAD v4.1: 17 of 1,013,164 alleles (0.0017%); highest among the groups gnomAD compares: East Asian, 0.0067%; no homozygotes.

Submissions (3):

Labcorp Genetics (formerly Invitae), Labcorp
Classification: Likely benign. Last evaluated: 2026-01-26. Review status: criteria provided, single submitter. Criteria: Invitae Variant Classification Sherloc (09022015). Collection method: clinical testing. Allele origin: germline.

Blueprint Genetics
Classification: Likely benign. Last evaluated: 2024-11-22. Review status: criteria provided, single submitter. Criteria: ACMG Guidelines, 2015. Collection method: clinical testing. Allele origin: germline.

PreventionGenetics, part of Exact Sciences
Classification: Likely benign for DEAF1-related condition. Last evaluated: 2023-09-25. Review status: no assertion criteria provided. Collection method: clinical testing. Allele origin: germline. Not counted in ClinVar's aggregate classification.
Comment: This variant is classified as likely benign based on ACMG/AMP sequence variant interpretation guidelines (Richards et al. 2015 PMID: 25741868, with internal and published modifications).

NM_021008.4(DEAF1):c.72T>G (p.Ala24=)

Gene: DEAF1 (DEAF1 transcription factor; minus strand). Cytogenetic location: 11p15.5.
Variant type: single nucleotide variant.
Coding change: c.72T>G on transcript NM_021008.4 (MANE Select); coding-DNA position 72, T replaced by G.
Protein change: p.Ala24=; no amino-acid change (alanine 24 retained).
Molecular consequence: synonymous variant. On other transcripts: intron variant (1).
Genome position (GRCh38, 1-based): chr11:694,976, A>C on the plus strand (T>G on the coding strand, the complement: DEAF1 is on the minus strand). VCF-style: chr11-694976-A-C. GRCh37 (hg19) VCF-style: chr11-694976-A-C.
Other names: c.72T>G, p.Ala24= (NM_001293634.2); c.-437-3378T>G (NM_001367390.1).
Identifiers: ClinVar variation 2711841 (VCV002711841.6), dbSNP rs911752105, ClinGen allele CA472437927.